The following is an entry in ClinVar:

ClinVar aggregate classification (germline): Uncertain significance (1 of 4 stars; one submission).

Submission:

Labcorp Genetics (formerly Invitae), Labcorp
Classification: Uncertain significance. Last evaluated: 2025-05-27. Review status: criteria provided, single submitter. Criteria: Invitae Variant Classification Sherloc (09022015). Collection method: clinical testing. Allele origin: germline.
Comment: This sequence change replaces glutamic acid, which is acidic and polar, with alanine, which is neutral and non-polar, at codon 1051 of the SETD5 protein (p.Glu1051Ala). This variant is not present in population databases (gnomAD no frequency). This variant has not been reported in the literature in individuals affected with SETD5-related conditions. Invitae Evidence Modeling of protein sequence and biophysical properties (such as structural, functional, and spatial information, amino acid conservation, physicochemical variation, residue mobility, and thermodynamic stability) indicates that this missense variant is not expected to disrupt SETD5 protein function with a negative predictive value of 80%. In summary, the available evidence is currently insufficient to determine the role of this variant in disease. Therefore, it has been classified as a Variant of Uncertain Significance.

NM_001080517.3(SETD5):c.3152A>C (p.Glu1051Ala)

Gene: SETD5 (SET domain containing 5; plus strand). Cytogenetic location: 3p25.3.
Variant type: single nucleotide variant.
Coding change: c.3152A>C on transcript NM_001080517.3 (MANE Select); coding-DNA position 3152, A replaced by C.
Protein change: p.Glu1051Ala; replaces glutamic acid 1051 with alanine.
Molecular consequence: missense variant.
Genome position (GRCh38, 1-based): chr3:9,470,886, A>C. VCF-style: chr3-9470886-A-C. GRCh37 (hg19) VCF-style: chr3-9512570-A-C.
Other names: c.2858A>C, p.Glu953Ala (NM_001292043.2, NM_001349451.2); c.3248A>C, p.Glu1083Ala (NM_001437633.1); c.3266A>C, p.Glu1089Ala (NM_001437635.1); c.3209A>C, p.Glu1070Ala (NM_001437643.1); c.3191A>C, p.Glu1064Ala (NM_001437701.1); short protein forms E1051A, E1083A, E1089A, E1064A, E1070A, E953A.
Identifiers: ClinVar variation 4745608 (VCV004745608.1).